The following is an entry in ClinVar:

ClinVar aggregate classification (germline): Uncertain significance. Review status: criteria provided, multiple submitters, no conflicts (2 of 4 stars). 2 submissions from 2 submitters: Uncertain significance (2). Last evaluated 2025-06-12.

Conditions:
Inborn genetic diseases. Identifiers: MedGen C0950123, MeSH D030342.

Allele frequency attached by ClinVar (database versions not stated): gnomAD exomes below 0.00001 and 0.00002; gnomAD 0.00001.
gnomAD v4.1: 31 of 1,614,112 alleles (0.0019%); highest among the groups gnomAD compares: African/African-American, 0.0027%; no homozygotes.

Submissions (2):

Ambry Genetics
Classification: Uncertain significance for Inborn genetic diseases. Last evaluated: 2025-06-12. Review status: criteria provided, single submitter. Criteria: Ambry Variant Classification Scheme 2023. Collection method: clinical testing. Allele origin: germline.

Labcorp Genetics (formerly Invitae), Labcorp
Classification: Uncertain significance. Last evaluated: 2021-05-29. Review status: criteria provided, single submitter. Criteria: Invitae Variant Classification Sherloc (09022015). Collection method: clinical testing. Allele origin: germline.
Comment: In summary, the available evidence is currently insufficient to determine the role of this variant in disease. Therefore, it has been classified as a Variant of Uncertain Significance. Algorithms developed to predict the effect of missense changes on protein structure and function are either unavailable or do not agree on the potential impact of this missense change (SIFT: "Not Available"; PolyPhen-2: "Benign"; Align-GVGD: "Not Available"). This variant has not been reported in the literature in individuals with LCT-related conditions. This variant is not present in population databases (ExAC no frequency). This sequence change replaces proline with leucine at codon 891 of the LCT protein (p.Pro891Leu). The proline residue is weakly conserved and there is a moderate physicochemical difference between proline and leucine.

NM_002299.4(LCT):c.2672C>T (p.Pro891Leu)

Gene: LCT (lactase; minus strand). Cytogenetic location: 2q21.3.
Variant type: single nucleotide variant.
Coding change: c.2672C>T on transcript NM_002299.4 (MANE Select); coding-DNA position 2672, C replaced by T.
Protein change: p.Pro891Leu; replaces proline 891 with leucine.
Molecular consequence: missense variant.
Genome position (GRCh38, 1-based): chr2:135,809,675, G>A on the plus strand (C>T on the coding strand, the complement: LCT is on the minus strand). VCF-style: chr2-135809675-G-A. GRCh37 (hg19) VCF-style: chr2-136567245-G-A.
Other names: c.2672C>T (NM_002299.2); short protein forms P891L.
Identifiers: ClinVar variation 1355808 (VCV001355808.9), dbSNP rs1418388537, ClinGen allele CA348602032.